The following is an entry in ClinVar:

ClinVar aggregate classification (germline): Uncertain significance (1 of 4 stars; one submission).

Allele frequency attached by ClinVar (database versions not stated): TOPMed 0.00002; gnomAD 0.00001.
gnomAD v4.1: 16 of 1,580,454 alleles (0.001%); highest among the groups gnomAD compares: Admixed American, 0.0017%; no homozygotes.

Submission:

Labcorp Genetics (formerly Invitae), Labcorp
Classification: Uncertain significance. Last evaluated: 2025-12-26. Review status: criteria provided, single submitter. Criteria: Invitae Variant Classification Sherloc (09022015). Collection method: clinical testing. Allele origin: germline.
Comment: This sequence change replaces alanine, which is neutral and non-polar, with valine, which is neutral and non-polar, at codon 2172 of the CACNA1D protein (p.Ala2172Val). The frequency data for this variant in the population databases is considered unreliable, as metrics indicate poor data quality at this position in the gnomAD database. This variant has not been reported in the literature in individuals affected with CACNA1D-related conditions. ClinVar contains an entry for this variant (Variation ID: 2985151). An algorithm developed to predict the effect of missense changes on protein structure and function (PolyPhen-2) suggests that this variant is likely to be disruptive. In summary, the available evidence is currently insufficient to determine the role of this variant in disease. Therefore, it has been classified as a Variant of Uncertain Significance.

NM_001128840.3(CACNA1D):c.6455C>T (p.Ala2152Val)

Gene: CACNA1D (calcium voltage-gated channel subunit alpha1 D; plus strand). Cytogenetic location: 3p21.1.
Variant type: single nucleotide variant.
Coding change: c.6455C>T on transcript NM_001128840.3 (MANE Select); coding-DNA position 6455, C replaced by T.
Protein change: p.Ala2152Val; replaces alanine 2152 with valine.
Molecular consequence: missense variant.
Genome position (GRCh38, 1-based): chr3:53,811,375, C>T. VCF-style: chr3-53811375-C-T. GRCh37 (hg19) VCF-style: chr3-53845402-C-T.
Other names: c.6515C>T, p.Ala2172Val (NM_000720.4); c.6383C>T, p.Ala2128Val (NM_001128839.3); short protein forms A2128V, A2172V, A2152V.
Identifiers: ClinVar variation 2985151 (VCV002985151.3), dbSNP rs1053519731, ClinGen allele CA74870271.